The following is an entry in ClinVar:

ClinVar aggregate classification (germline): Uncertain significance. Review status: criteria provided, multiple submitters, no conflicts (2 of 4 stars). 3 submissions from 3 submitters: Uncertain significance (3). Last evaluated 2025-01-07.

Allele frequency attached by ClinVar (database versions not stated): gnomAD 0.00001.
gnomAD v4.1: 1 of 1,612,826 alleles (0.000062%); highest among the groups gnomAD compares: Non-Finnish European, 0.000085%; no homozygotes.

Submissions (3):

Ambry Genetics
Classification: Uncertain significance. Last evaluated: 2025-01-07. Review status: criteria provided, single submitter. Criteria: Ambry Variant Classification Scheme 2023. Collection method: clinical testing. Allele origin: germline.
Comment: The p.E307A variant (also known as c.920A>C), located in coding exon 9 of the SRP72 gene, results from an A to C substitution at nucleotide position 920. The glutamic acid at codon 307 is replaced by alanine, an amino acid with dissimilar properties. This amino acid position is conserved. In addition, the in silico prediction for this alteration is inconclusive. Based on the available evidence, the clinical significance of this variant remains unclear.

Labcorp Genetics (formerly Invitae), Labcorp
Classification: Uncertain significance. Last evaluated: 2024-10-16. Review status: criteria provided, single submitter. Criteria: Invitae Variant Classification Sherloc (09022015). Collection method: clinical testing. Allele origin: germline.
Comment: This sequence change replaces glutamic acid, which is acidic and polar, with alanine, which is neutral and non-polar, at codon 307 of the SRP72 protein (p.Glu307Ala). This variant is present in population databases (no rsID available, gnomAD 0.007%). This variant has not been reported in the literature in individuals affected with SRP72-related conditions. ClinVar contains an entry for this variant (Variation ID: 2127274). Invitae Evidence Modeling of protein sequence and biophysical properties (such as structural, functional, and spatial information, amino acid conservation, physicochemical variation, residue mobility, and thermodynamic stability) indicates that this missense variant is not expected to disrupt SRP72 protein function with a negative predictive value of 80%. In summary, the available evidence is currently insufficient to determine the role of this variant in disease. Therefore, it has been classified as a Variant of Uncertain Significance.

Blueprint Genetics
Classification: Uncertain significance. Last evaluated: 2020-05-04. Review status: criteria provided, single submitter. Criteria: ACMG Guidelines, 2015. Collection method: clinical testing. Allele origin: germline.

NM_006947.4(SRP72):c.920A>C (p.Glu307Ala)

Gene: SRP72 (signal recognition particle 72; plus strand). Cytogenetic location: 4q12.
Variant type: single nucleotide variant.
Coding change: c.920A>C on transcript NM_006947.4 (MANE Select); coding-DNA position 920, A replaced by C.
Protein change: p.Glu307Ala; replaces glutamic acid 307 with alanine.
Molecular consequence: missense variant. On other transcripts: non-coding transcript variant (1).
Genome position (GRCh38, 1-based): chr4:56,483,233, A>C. VCF-style: chr4-56483233-A-C. GRCh37 (hg19) VCF-style: chr4-57349399-A-C.
Other names: c.737A>C, p.Glu246Ala (NM_001267722.2); c.920A>C (NM_006947.3); short protein forms E307A, E246A.
Identifiers: ClinVar variation 2127274 (VCV002127274.6), dbSNP rs1373728478, ClinGen allele CA356999400.
Genomic context (GRCh38, chr4:56,483,233, plus strand): 5'-AATTAACCAATGCGGAAGGAGTAGAGTTTAAGCTTTCCAAGAAACAACTACAAGCTATAG[A>C]ATTTAACAAAGCTTTACTTGCTATGTACACAAACCAGGTGGGTAATTACCTTTGGTGTCA-3'
Protein context (NP_008878.3, residues 297-317): KLSKKQLQAI[Glu307Ala]FNKALLAMYT